The following is an entry in ClinVar:

ClinVar aggregate classification (germline): Uncertain significance (1 of 4 stars; one submission).

Conditions:
Alstrom syndrome (ALMS). Identifiers: Orphanet 64, MedGen C0268425, MONDO:0008763, OMIM 203800.

Allele frequency attached by ClinVar (database versions not stated): gnomAD 0.00001.
gnomAD v4.1: 2 of 1,613,618 alleles (0.00012%); highest among the groups gnomAD compares: South Asian, 0.0011%; no homozygotes.

Submission:

Labcorp Genetics (formerly Invitae), Labcorp
Classification: Uncertain significance for Alstrom syndrome. Last evaluated: 2024-03-04. Review status: criteria provided, single submitter. Criteria: Invitae Variant Classification Sherloc (09022015). Collection method: clinical testing. Allele origin: germline.
Comment: This sequence change replaces glycine with serine at codon 1563 of the ALMS1 protein (p.Gly1563Ser). The glycine residue is weakly conserved and there is a small physicochemical difference between glycine and serine. This variant is not present in population databases (gnomAD no frequency). This variant has not been reported in the literature in individuals affected with ALMS1-related conditions. ClinVar contains an entry for this variant (Variation ID: 1509489). Experimental studies and prediction algorithms are not available or were not evaluated, and the functional significance of this variant is currently unknown. In summary, the available evidence is currently insufficient to determine the role of this variant in disease. Therefore, it has been classified as a Variant of Uncertain Significance.

NM_001378454.1(ALMS1):c.4684G>A (p.Gly1562Ser)

Gene: ALMS1 (ALMS1 centrosome and basal body associated protein; plus strand). Cytogenetic location: 2p13.1.
Variant type: single nucleotide variant.
Coding change: c.4684G>A on transcript NM_001378454.1 (MANE Select); coding-DNA position 4684, G replaced by A.
Protein change: p.Gly1562Ser; replaces glycine 1562 with serine.
Molecular consequence: missense variant.
Genome position (GRCh38, 1-based): chr2:73,451,211, G>A. VCF-style: chr2-73451211-G-A. GRCh37 (hg19) VCF-style: chr2-73678338-G-A.
Other names: c.4687G>A, p.Gly1563Ser (NM_015120.4); short protein forms G1562S, G1563S.
Identifiers: ClinVar variation 1509489 (VCV001509489.6), dbSNP rs1671930409, ClinGen allele CA347279049.